The following is an entry in ClinVar:

NM_006231.4(POLE):c.4901G>C (p.Arg1634Pro)

Gene: POLE (DNA polymerase epsilon, catalytic subunit; minus strand). Cytogenetic location: 12q24.33.
Variant type: single nucleotide variant.
Coding change: c.4901G>C on transcript NM_006231.4 (MANE Select); coding-DNA position 4901, G replaced by C.
Protein change: p.Arg1634Pro; replaces arginine 1634 with proline.
Molecular consequence: missense variant.
Genome position (GRCh38, 1-based): chr12:132,642,557, C>G on the plus strand (G>C on the coding strand, the complement: POLE is on the minus strand). VCF-style: chr12-132642557-C-G. GRCh37 (hg19) VCF-style: chr12-133219143-C-G.
Other names: short protein forms R1634P.
Identifiers: ClinVar variation 965910 (VCV000965910.7), dbSNP rs760149463, ClinGen allele CA387377973.

ClinVar aggregate classification (germline): Uncertain significance (1 of 4 stars; one submission).

Submission:

Labcorp Genetics (formerly Invitae), Labcorp
Classification: Uncertain significance. Last evaluated: 2023-09-09. Review status: criteria provided, single submitter. Criteria: Invitae Variant Classification Sherloc (09022015). Collection method: clinical testing. Allele origin: germline.
Comment: This variant is not present in population databases (gnomAD no frequency). This variant has not been reported in the literature in individuals affected with POLE-related conditions. ClinVar contains an entry for this variant (Variation ID: 965910). Advanced modeling of protein sequence and biophysical properties (such as structural, functional, and spatial information, amino acid conservation, physicochemical variation, residue mobility, and thermodynamic stability) performed at Invitae indicates that this missense variant is not expected to disrupt POLE protein function. In summary, the available evidence is currently insufficient to determine the role of this variant in disease. Therefore, it has been classified as a Variant of Uncertain Significance. This sequence change replaces arginine, which is basic and polar, with proline, which is neutral and non-polar, at codon 1634 of the POLE protein (p.Arg1634Pro).